The following is an entry in ClinVar:

ClinVar aggregate classification (germline): Benign/Likely benign. Review status: criteria provided, multiple submitters, no conflicts (2 of 4 stars). 21 submissions from 18 submitters: Benign (8); Likely benign (9). 4 of the submissions do not count toward it. Last evaluated 2026-06-01.

Conditions:
TTN-related disorder. Also called: TTN-related condition; TTN-related disease; TTN-related disorders.
Cardiovascular phenotype. Identifiers: MedGen CN230736.
Dilated cardiomyopathy 1G (CMD1G). Identifiers: Orphanet 154, MedGen C1858763, MONDO:0011400, OMIM 604145.
Autosomal recessive limb-girdle muscular dystrophy type 2J (LGMDR10). Also called: Limb-girdle muscular dystrophy, type 2J; MUSCULAR DYSTROPHY, LIMB-GIRDLE, AUTOSOMAL RECESSIVE 10. Identifiers: Orphanet 140922, MedGen C1837342, MONDO:0012127, OMIM 608807.
Cardiomyopathy (CMYO). Also called: Cardiomyopathies. Identifiers: Orphanet 167848, MedGen C0878544, MONDO:0004994, HP:0001638. Inheritance: Various modes of inheritance.
Early-onset myopathy with fatal cardiomyopathy (CMYO5). Also called: Salih Myopathy; CONGENITAL MYOPATHY 5 WITH CARDIOMYOPATHY. Identifiers: Orphanet 289377, MedGen C2673677, MONDO:0012714, OMIM 611705. Disease mechanism: loss of function.
Myopathy, myofibrillar, 9, with early respiratory failure (MFM9). Also called: Hereditary myopathy with early respiratory failure; Myopathy, distal, with early respiratory failure, autosomal dominant; EDSTROM MYOPATHY; MYOPATHY, PROXIMAL, WITH EARLY RESPIRATORY MUSCLE INVOLVEMENT. Identifiers: Orphanet 178464, Orphanet 34521, MedGen C1863599, MONDO:0011362, OMIM 603689.
Tibial muscular dystrophy (TMD). Also called: Udd Distal Myopathy – Tibial Muscular Dystrophy; Tibial muscular dystrophy, tardive; UDD MYOPATHY. Identifiers: Orphanet 609, MedGen C1838244, MONDO:0010870, OMIM 600334.

Allele frequency attached by ClinVar (database versions not stated): gnomAD 0.00023 and 0.00025; gnomAD exomes 0.00024 and 0.00033; ExAC 0.00030; ESP Exome Variant Server 0.00031; TOPMed 0.00034.
gnomAD v4.1: 410 of 1,614,076 alleles (0.025%); highest among the groups gnomAD compares: Middle Eastern, 0.26%; 1 homozygote.

Submissions (21):

CeGaT Center for Human Genetics Tuebingen
Classification: Likely benign. Last evaluated: 2026-06-01. Review status: criteria provided, single submitter. Criteria: CeGaT Center For Human Genetics Tuebingen Variant Classification Criteria Version 2. Collection method: clinical testing. Allele origin: germline. Affected: yes. Observed: 13 variant alleles.
Comment: TTN: BP4, BP7

Labcorp Genetics (formerly Invitae), Labcorp
Classification: Benign for Dilated cardiomyopathy 1G; Autosomal recessive limb-girdle muscular dystrophy type 2J. Last evaluated: 2026-01-31. Review status: criteria provided, single submitter. Criteria: Invitae Variant Classification Sherloc (09022015). Collection method: clinical testing. Allele origin: germline.

Mayo Clinic Laboratories, Mayo Clinic
Classification: Likely benign. Last evaluated: 2025-10-08. Review status: criteria provided, single submitter. Criteria: ACMG Guidelines, 2015. Collection method: clinical testing. Allele origin: germline. Observed: 3 variant alleles.

Molecular Diagnostic Laboratory for Inherited Cardiovascular Disease, Montreal Heart Institute
Classification: Benign. Last evaluated: 2025-07-24. Review status: criteria provided, single submitter. Criteria: ACMG Guidelines, 2015. Collection method: clinical testing. Allele origin: germline. Affected: no.

PreventionGenetics, part of Exact Sciences
Classification: Likely benign for TTN-related condition. Last evaluated: 2025-06-13. Review status: criteria provided, single submitter. Criteria: ACMG Guidelines, 2015. Collection method: clinical testing. Allele origin: germline.
Comment: This variant is classified as likely benign based on ACMG/AMP sequence variant interpretation guidelines (Richards et al. 2015 PMID: 25741868, with internal and published modifications).

Women's Health and Genetics/Laboratory Corporation of America, LabCorp
Classification: Likely benign. Last evaluated: 2025-06-07. Review status: criteria provided, single submitter. Criteria: LabCorp Variant Classification Summary - May 2015. Collection method: clinical testing. Allele origin: germline.

Blueprint Genetics
Classification: Likely benign. Last evaluated: 2024-11-07. Review status: criteria provided, single submitter. Criteria: ACMG Guidelines, 2015. Collection method: clinical testing. Allele origin: germline.

Genome-Nilou Lab
Classification: Benign for Autosomal recessive limb-girdle muscular dystrophy type 2J. Last evaluated: 2021-09-10. Review status: criteria provided, single submitter. Criteria: ACMG Guidelines, 2015. Collection method: clinical testing. Allele origin: germline. Affected: no.

Genome-Nilou Lab
Classification: Benign for Myopathy, myofibrillar, 9, with early respiratory failure. Last evaluated: 2021-09-10. Review status: criteria provided, single submitter. Criteria: ACMG Guidelines, 2015. Collection method: clinical testing. Allele origin: germline. Affected: no.

Genome-Nilou Lab
Classification: Benign for Early-onset myopathy with fatal cardiomyopathy. Last evaluated: 2021-09-10. Review status: criteria provided, single submitter. Criteria: ACMG Guidelines, 2015. Collection method: clinical testing. Allele origin: germline. Affected: no.

Genome-Nilou Lab
Classification: Benign for Tibial muscular dystrophy. Last evaluated: 2021-09-10. Review status: criteria provided, single submitter. Criteria: ACMG Guidelines, 2015. Collection method: clinical testing. Allele origin: germline. Affected: no.

CHEO Genetics Diagnostic Laboratory, Children's Hospital of Eastern Ontario
Classification: Benign for Cardiomyopathy. Last evaluated: 2018-03-29. Review status: criteria provided, single submitter. Criteria: ACMG Guidelines, 2015. Collection method: clinical testing. Allele origin: germline.

Ambry Genetics
Classification: Likely benign for Cardiovascular phenotype. Last evaluated: 2017-11-14. Review status: criteria provided, single submitter. Criteria: Ambry Variant Classification Scheme 2023. Collection method: clinical testing. Allele origin: germline.

Eurofins Ntd Llc (ga)
Classification: Likely benign. Last evaluated: 2017-06-22. Review status: criteria provided, single submitter. Criteria: EGL Classification Definitions 2015. Collection method: clinical testing. Allele origin: germline. Observed: 2 variant alleles, 2 heterozygotes.

Genetic Services Laboratory, University of Chicago
Classification: Likely benign. Last evaluated: 2016-10-11. Review status: criteria provided, single submitter. Criteria: ACMG Guidelines, 2015. Collection method: clinical testing. Allele origin: germline. Affected: no.

Laboratory for Molecular Medicine, Mass General Brigham Personalized Medicine
Classification: Likely benign. Last evaluated: 2015-11-09. Review status: criteria provided, single submitter. Criteria: LMM Criteria. Collection method: clinical testing. Allele origin: germline. Observed: 5 variant alleles.
Comment: p.Ile1899Ile in exon 28 of TTN: This variant is not expected to have clinical si gnificance because it does not alter an amino acid residue and is not located wi thin the splice consensus sequence. This variant has been identified in 30/66738 European chromosomes, including 1 homozygote by the Exome Aggregation Consortiu m (ExAC; dbSNP rs148434577).

GeneDx
Classification: Benign. Last evaluated: 2015-10-28. Review status: criteria provided, single submitter. Criteria: GeneDx Variant Classification (06012015). Collection method: clinical testing. Allele origin: germline. Affected: yes.
Comment: This variant is considered likely benign or benign based on one or more of the following criteria: it is a conservative change, it occurs at a poorly conserved position in the protein, it is predicted to be benign by multiple in silico algorithms, and/or has population frequency not consistent with disease.

Clinical Genetics DNA and cytogenetics Diagnostics Lab, Erasmus MC, Erasmus Medical Center
Classification: Likely benign. Review status: no assertion criteria provided. Collection method: clinical testing. Allele origin: germline. Affected: yes. Study: VKGL Data-share Consensus. Not counted in ClinVar's aggregate classification.

Clinical Genetics, Academic Medical Center
Classification: Benign. Review status: no assertion criteria provided. Collection method: clinical testing. Allele origin: germline. Affected: yes. Study: VKGL Data-share Consensus. Not counted in ClinVar's aggregate classification.

Diagnostic Laboratory, Department of Genetics, University Medical Center Groningen
Classification: Likely benign. Review status: no assertion criteria provided. Collection method: clinical testing. Allele origin: germline. Affected: yes. Study: VKGL Data-share Consensus. Not counted in ClinVar's aggregate classification.

Joint Genome Diagnostic Labs from Nijmegen and Maastricht, Radboudumc and MUMC+
Classification: Benign. Review status: no assertion criteria provided. Collection method: clinical testing. Allele origin: germline. Affected: yes. Study: VKGL Data-share Consensus. Not counted in ClinVar's aggregate classification.

NM_001267550.2(TTN):c.5697C>T (p.Ile1899=)

Gene: TTN (titin; minus strand). Cytogenetic location: 2q31.2.
Variant type: single nucleotide variant.
Coding change: c.5697C>T on transcript NM_001267550.2 (MANE Select); coding-DNA position 5697, C replaced by T.
Protein change: p.Ile1899=; no amino-acid change (isoleucine 1899 retained).
Molecular consequence: synonymous variant.
Genome position (GRCh38, 1-based): chr2:178,776,167, G>A on the plus strand (C>T on the coding strand, the complement: TTN is on the minus strand). VCF-style: chr2-178776167-G-A. GRCh37 (hg19) VCF-style: chr2-179640894-G-A.
Other names: p.Ile1899=; c.5697C>T, p.Ile1899= (NM_001256850.1, NM_133378.4, NM_133379.5); c.5559C>T, p.Ile1853= (NM_003319.4, NM_133432.3, NM_133437.4).
Identifiers: ClinVar variation 47212 (VCV000047212.84), dbSNP rs148434577, ClinGen allele CA140352.
Genomic context (GRCh38, chr2:178,776,167, plus strand): 5'-ACCTTCAGGATTTTCCGCGGTGACCTTCACTTCACCTGTGTCATATGATTTGCAGTCCAC[G>A]ATGTCCAGGTAATGGATACCATCATAGCGAACTCTGAACCTTTTGCTTTTGCGGATGAGC-3'
Protein context (NP_001254479.2, residues 1889-1909): VRYDGIHYLD[Ile1899=]VDCKSYDTGE